The following is an entry in ClinVar:

ClinVar aggregate classification (germline): Uncertain significance (1 of 4 stars; one submission).

Conditions:
Hereditary cancer-predisposing syndrome. Also called: Tumor predisposition; Hereditary Cancer Syndrome; Neoplastic Syndromes, Hereditary; Hereditary neoplastic syndrome. Identifiers: Orphanet 140162, MedGen C0027672, MeSH D009386, MONDO:0015356.

gnomAD v4.1: 1 of 1,605,042 alleles (0.000062%); highest among the groups gnomAD compares: Non-Finnish European, 0.000085%; no homozygotes.

Submission:

Color Diagnostics, LLC DBA Color Health
Classification: Uncertain significance for Hereditary cancer-predisposing syndrome. Last evaluated: 2025-08-10. Review status: criteria provided, single submitter. Criteria: ACMG Guidelines, 2015. Collection method: clinical testing. Allele origin: germline.
Comment: This missense variant replaces leucine with proline at codon 1338 of the MSH6 protein. Computational prediction suggests that this variant may not impact protein structure and function. To our knowledge, functional studies have not been reported for this variant. This variant has not been reported in individuals affected with MSH6-related disorders in the literature. This variant has not been identified in the general population by the Genome Aggregation Database (gnomAD). The available evidence is insufficient to determine the role of this variant in disease conclusively. Therefore, this variant is classified as a Variant of Uncertain Significance.

NM_000179.3(MSH6):c.4013T>C (p.Leu1338Pro)

Gene: MSH6 (mutS homolog 6; plus strand). Cytogenetic location: 2p16.3.
Variant type: single nucleotide variant.
Coding change: c.4013T>C on transcript NM_000179.3 (MANE Select); coding-DNA position 4013, T replaced by C.
Protein change: p.Leu1338Pro; replaces leucine 1338 with proline.
Molecular consequence: missense variant. On other transcripts: 3 prime UTR variant (1), synonymous variant (4), non-coding transcript variant (5).
Genome position (GRCh38, 1-based): chr2:47,806,790, T>C. VCF-style: chr2-47806790-T-C. GRCh37 (hg19) VCF-style: chr2-48033929-T-C.
Other names: c.3623T>C, p.Leu1208Pro (NM_001281492.2); c.3107T>C, p.Leu1036Pro (NM_001281493.2, NM_001281494.2, NM_001406811.1 and 6 more transcripts); c.4109T>C, p.Leu1370Pro (NM_001406795.1); c.4013T>C, p.Leu1338Pro (NM_001406796.1, NM_001406809.1); c.3716T>C, p.Leu1239Pro (NM_001406797.1, NM_001406805.1, NM_001406818.1 and 8 more transcripts); c.3839T>C, p.Leu1280Pro (NM_001406798.1); c.3488T>C, p.Leu1163Pro (NM_001406799.1, NM_001406806.1, NM_001406807.1); c.*34T>C (NM_001406800.1); and 11 more; short protein forms L1036P, L1050P, L1163P, L1208P, L1239P, L1280P, L1282P, L1312P.
Identifiers: ClinVar variation 4756165 (VCV004756165.1).